The following is an entry in ClinVar:

ClinVar aggregate classification (germline): Uncertain significance (1 of 4 stars; one submission).

Conditions:
Hypertrophic cardiomyopathy. Also called: HYPERTROPHIC MYOCARDIOPATHY. Identifiers: Orphanet 217569, MedGen C0007194, MeSH D002312, MONDO:0005045, HP:0001639.

Submission:

Labcorp Genetics (formerly Invitae), Labcorp
Classification: Uncertain significance for Hypertrophic cardiomyopathy. Last evaluated: 2023-08-02. Review status: criteria provided, single submitter. Criteria: Invitae Variant Classification Sherloc (09022015). Collection method: clinical testing. Allele origin: germline.
Comment: In summary, the available evidence is currently insufficient to determine the role of this variant in disease. Therefore, it has been classified as a Variant of Uncertain Significance. An algorithm developed to predict the effect of missense changes on protein structure and function (PolyPhen-2) suggests that this variant is likely to be disruptive. ClinVar contains an entry for this variant (Variation ID: 1437616). This variant has not been reported in the literature in individuals affected with MYBPC3-related conditions. This variant is not present in population databases (gnomAD no frequency). This sequence change replaces cysteine, which is neutral and slightly polar, with serine, which is neutral and polar, at codon 239 of the MYBPC3 protein (p.Cys239Ser).

NM_000256.3(MYBPC3):c.716G>C (p.Cys239Ser)

Gene: MYBPC3 (myosin binding protein C3; minus strand). Cytogenetic location: 11p11.2.
Variant type: single nucleotide variant.
Coding change: c.716G>C on transcript NM_000256.3 (MANE Select); coding-DNA position 716, G replaced by C.
Protein change: p.Cys239Ser; replaces cysteine 239 with serine.
Molecular consequence: missense variant.
Genome position (GRCh38, 1-based): chr11:47,348,480, C>G on the plus strand (G>C on the coding strand, the complement: MYBPC3 is on the minus strand). VCF-style: chr11-47348480-C-G. GRCh37 (hg19) VCF-style: chr11-47370031-C-G.
Other names: short protein forms C239S.
Identifiers: ClinVar variation 1437616 (VCV001437616.6), dbSNP rs776541959, ClinGen allele CA380335864.
Genomic context (GRCh38, chr11:47,348,480, plus strand): 5'-TCACCGTGGACAGTGAGATTGAAGTTGGAGCAGTCAAATTTGTCCTTGGTGGACACCTCA[C>G]AGCGGTAGCTGCCAGTGAAGGCAGGCTGGGCATCGGTGATGTGCAGCTCGAACAGATAGA-3'
Protein context (NP_000247.2, residues 229-249): AQPAFTGSYR[Cys239Ser]EVSTKDKFDC